The following is an entry in ClinVar:

NM_144687.4(NLRP12):c.2717_2718dup (p.Gly907fs)

Gene: NLRP12 (NLR family pyrin domain containing 12; minus strand). Cytogenetic location: 19q13.42.
Variant type: Duplication.
Coding change: c.2717_2718dup on transcript NM_144687.4 (MANE Select); coding-DNA positions 2717 to 2718, 2 bases duplicated (AG; older notation c.2717_2718dupAG).
Protein change: p.Gly907fs; shifts the reading frame from glycine 907.
Molecular consequence: frameshift variant.
Genome position (GRCh38, 1-based): chr19:53,801,265-53,801,266, CT duplicated on the plus strand (AG on the coding strand, the reverse complement: NLRP12 is on the minus strand); duplicating any 2 consecutive bases within chr19:53,801,265-53,801,267 gives the same sequence; the c. name uses the placement nearest the transcript's 3' end. VCF-style (leftmost placement, unchanged base first): chr19-53801264-C-CCT. GRCh37 (hg19) VCF-style: chr19-54304518-C-CCT.
Other names: c.2720_2721dup, p.Gly908fs (NM_001277126.2); c.2717_2718dup, p.Gly907fs (NM_001277129.1); short protein forms G907fs, G908fs.
Identifiers: ClinVar variation 3256654 (VCV003256654.1).

ClinVar aggregate classification (germline): Uncertain significance (1 of 4 stars; one submission).

Conditions:
Familial cold autoinflammatory syndrome 2 (FCAS2). Identifiers: Orphanet 247868, MedGen C2673198, MONDO:0012724, OMIM 611762.

Submission:

MVZ Medizinische Genetik Mainz
Classification: Uncertain significance for Familial cold autoinflammatory syndrome 2. Last evaluated: 2024-04-16. Review status: criteria provided, single submitter. Criteria: UK Practice Guidelines For Variant Classification V4 01 2020. Collection method: clinical testing. Allele origin: germline. Inheritance: Autosomal dominant inheritance. Affected: yes. Observed: 1 variant allele.
Comment: ACMG Criteria: PVS1_mod, PM2_sup